The following is an entry in ClinVar:

ClinVar aggregate classification (germline): Uncertain significance (1 of 4 stars; one submission).

Submission:

Labcorp Genetics (formerly Invitae), Labcorp
Classification: Uncertain significance. Last evaluated: 2023-07-12. Review status: criteria provided, single submitter. Criteria: Invitae Variant Classification Sherloc (09022015). Collection method: clinical testing. Allele origin: unknown.
Comment: In summary, the available evidence is currently insufficient to determine the role of this variant in disease. Therefore, it has been classified as a Variant of Uncertain Significance. Experimental studies and prediction algorithms are not available or were not evaluated, and the functional significance of this variant is currently unknown. This variant has not been reported in the literature in individuals affected with SPP2-related conditions. This variant is a gross deletion of the genomic region encompassing exon(s) 3 of the SPP2 gene. This variant would be expected to be in-frame, preserving the integrity of the reading frame.

NC_000002.11:g.(?_234967460)_(234967622_?)del

Gene: SPP2 (secreted phosphoprotein 2; plus strand). Cytogenetic location: 2q37.1.
Variant type: Deletion.
Identifiers: ClinVar variation 3247540 (VCV003247540.1).